The following is an entry in ClinVar:

ClinVar aggregate classification (germline): Pathogenic (1 of 4 stars; one submission).

Conditions:
Cowden syndrome 7 (CWS7). Identifiers: Orphanet 201, MedGen C4225179, MONDO:0014802, OMIM 616858.
Congenital dyserythropoietic anemia, type II (CDAN2). Also called: DYSERYTHROPOIETIC ANEMIA, HEMPAS TYPE. Identifiers: Orphanet 98873, MedGen C1306589, MONDO:0009134, OMIM 224100.

Submission:

Labcorp Genetics (formerly Invitae), Labcorp
Classification: Pathogenic for Congenital dyserythropoietic anemia, type II; Cowden syndrome 7. Last evaluated: 2023-08-28. Review status: criteria provided, single submitter. Criteria: Invitae Variant Classification Sherloc (09022015). Collection method: clinical testing. Allele origin: germline.
Comment: For these reasons, this variant has been classified as Pathogenic. ClinVar contains an entry for this variant (Variation ID: 579876). This variant has not been reported in the literature in individuals affected with SEC23B-related conditions. This variant is not present in population databases (gnomAD no frequency). This sequence change creates a premature translational stop signal (p.Ile272Metfs*37) in the SEC23B gene. It is expected to result in an absent or disrupted protein product. Loss-of-function variants in SEC23B are known to be pathogenic (PMID: 19561605, 25044164).

Literature cited by the submitters: PubMed 19561605; PubMed 25044164.

NM_006363.6(SEC23B):c.816del (p.Ile272fs)

Gene: SEC23B (SEC23 homolog B, COPII component; plus strand). Cytogenetic location: 20p11.23.
Variant type: Deletion.
Coding change: c.816del on transcript NM_006363.6 (MANE Select); coding-DNA position 816, one base deleted (T; older notation c.816delT).
Protein change: p.Ile272fs; shifts the reading frame from isoleucine 272.
Molecular consequence: frameshift variant.
Genome position (GRCh38, 1-based): chr20:18,525,914, T deleted; the last of 2 consecutive T bases (chr20:18,525,913-18,525,914); deleting either gives the same sequence. VCF-style (leftmost placement, unchanged base first): chr20-18525912-AT-A. GRCh37 (hg19) VCF-style: chr20-18506556-AT-A.
Other names: c.816del, p.Ile272fs (NM_001172745.3, NM_032985.6, NM_032986.5); c.762del, p.Ile254fs (NM_001172746.3); short protein forms I254fs, I272fs.
Identifiers: ClinVar variation 579876 (VCV000579876.7), dbSNP rs1568606490, ClinGen allele CA891844545.
Genomic context (GRCh38, chr20:18,525,912, plus strand): 5'-GACCCATGGCCAGTAACTCAGGGGAAGAGACCTTTGCGATCCACTGGTGTGGCTTTGTCC[AT>A]TGCTGTTGGCTTGCTGGAGGTAATTTAAAATTTACCAGGACCTCTCAAATCATACAAATG-3'